The following is an entry in ClinVar:

NM_005534.4(IFNGR2):c.824G>T (p.Gly275Val)

Genes: IFNGR2 (interferon gamma receptor 2; plus strand), TMEM50B (transmembrane protein 50B; minus strand). Cytogenetic location: 21q22.11.
Variant type: single nucleotide variant.
Coding change: c.824G>T on transcript NM_005534.4 (MANE Select); coding-DNA position 824, G replaced by T.
Protein change: p.Gly275Val; replaces glycine 275 with valine.
Molecular consequence: missense variant.
Genome position (GRCh38, 1-based): chr21:33,432,816, G>T. VCF-style: chr21-33432816-G-T. GRCh37 (hg19) VCF-style: chr21-34805123-G-T.
Other names: c.881G>T, p.Gly294Val (NM_001329128.2); short protein forms G275V, G294V.
Identifiers: ClinVar variation 2550331 (VCV002550331.4), dbSNP rs2083902587, ClinGen allele CA410112283.

ClinVar aggregate classification (germline): Uncertain significance. Review status: criteria provided, multiple submitters, no conflicts (2 of 4 stars). 2 submissions from 2 submitters: Uncertain significance (2). Last evaluated 2023-05-23.

Conditions:
Immunodeficiency 28 (IMD28). Also called: IFNGR2 DEFICIENCY. Identifiers: Orphanet 319547, Orphanet 319574, MedGen C4013947, MONDO:0013953, OMIM 614889.
Inborn genetic diseases. Identifiers: MedGen C0950123, MeSH D030342.

Allele frequency attached by ClinVar (database versions not stated): gnomAD exomes 0.00001; TOPMed 0.00001.
gnomAD v4.1: 7 of 1,613,616 alleles (0.00043%); highest among the groups gnomAD compares: Non-Finnish European, 0.00059%; no homozygotes.

Submissions (2):

Ambry Genetics
Classification: Uncertain significance for Inborn genetic diseases. Last evaluated: 2023-05-23. Review status: criteria provided, single submitter. Criteria: Ambry Variant Classification Scheme 2023. Collection method: clinical testing. Allele origin: germline.

Labcorp Genetics (formerly Invitae), Labcorp
Classification: Uncertain significance for Immunodeficiency 28. Last evaluated: 2023-01-11. Review status: criteria provided, single submitter. Criteria: Invitae Variant Classification Sherloc (09022015). Collection method: clinical testing. Allele origin: germline.
Comment: In summary, the available evidence is currently insufficient to determine the role of this variant in disease. Therefore, it has been classified as a Variant of Uncertain Significance. Advanced modeling of protein sequence and biophysical properties (such as structural, functional, and spatial information, amino acid conservation, physicochemical variation, residue mobility, and thermodynamic stability) performed at Invitae indicates that this missense variant is not expected to disrupt IFNGR2 protein function. This variant has not been reported in the literature in individuals affected with IFNGR2-related conditions. This variant is not present in population databases (gnomAD no frequency). This sequence change replaces glycine, which is neutral and non-polar, with valine, which is neutral and non-polar, at codon 275 of the IFNGR2 protein (p.Gly275Val).